The following is an entry in ClinVar:

ClinVar aggregate classification (germline): Uncertain significance (1 of 4 stars; one submission).

Conditions:
Arterial tortuosity syndrome (ATORS). Identifiers: Orphanet 3342, MedGen C1859726, MONDO:0008818, OMIM 208050.

Submission:

Labcorp Genetics (formerly Invitae), Labcorp
Classification: Uncertain significance for Arterial tortuosity syndrome. Last evaluated: 2018-04-23. Review status: criteria provided, single submitter. Criteria: Invitae Variant Classification Sherloc (09022015). Collection method: clinical testing. Allele origin: germline.
Comment: This variant is a gross deletion of the genomic region encompassing exon 5 of the SLC2A10 gene. The 5' boundary is likely confined to intron 4. The 3' end of this event is unknown as it extends through the termination codon beyond the assayed region for this gene and may encompass additional genes. While this deletion is not anticipated to result in nonsense mediated decay, it is expected to create a truncated protein product or disrupt mRNA translation. This deletion has not been reported in individuals affected with SLC2A10-related conditions. In summary, the available evidence is currently insufficient to determine the role of this variant in disease. Therefore, it has been classified as a Variant of Uncertain Significance.

NC_000020.10:g.(?_45362375)_(45362493_?)del

Gene: SLC2A10 (solute carrier family 2 member 10; plus strand). Cytogenetic location: 20q13.12.
Variant type: Deletion.
Identifiers: ClinVar variation 1017529 (VCV001017529.7).